The following is an entry in ClinVar:

NM_001164508.2(NEB):c.6242T>G (p.Leu2081Arg)

Gene: NEB (nebulin; minus strand). Cytogenetic location: 2q23.3.
Variant type: single nucleotide variant.
Coding change: c.6242T>G on transcript NM_001164508.2 (MANE Select); coding-DNA position 6242, T replaced by G.
Protein change: p.Leu2081Arg; replaces leucine 2081 with arginine.
Molecular consequence: missense variant.
Genome position (GRCh38, 1-based): chr2:151,656,406, A>C on the plus strand (T>G on the coding strand, the complement: NEB is on the minus strand). VCF-style: chr2-151656406-A-C. GRCh37 (hg19) VCF-style: chr2-152512920-A-C.
Other names: c.6242T>G, p.Leu2081Arg (NM_001164507.2, NM_001271208.2, NM_004543.5); short protein forms L2081R.
Identifiers: ClinVar variation 956907 (VCV000956907.9), dbSNP rs2099085781, ClinGen allele CA348800281.
Genomic context (GRCh38, chr2:151,656,406, plus strand): 5'-TCCCGATCAGATTGCATCTTAGCCACTTGCATGGAATGGACTAATTTGGGATCATCCTCG[A>C]GACTGCGGAAACCAACCATTTTCCCCTTCCCTTTTTCATAATTGTACTTGTATTTATACT-3'
Protein context (NP_001157980.2, residues 2071-2091): GKGKMVGFRS[Leu2081Arg]EDDPKLVHSM

ClinVar aggregate classification (germline): Uncertain significance (1 of 4 stars; one submission).

Conditions:
Nemaline myopathy 2 (NEM2). Also called: Nemaline myopathy 2, autosomal recessive. Identifiers: MedGen C1850569, MONDO:0009725, OMIM 256030.

Submission:

Labcorp Genetics (formerly Invitae), Labcorp
Classification: Uncertain significance for Nemaline myopathy 2. Last evaluated: 2019-10-11. Review status: criteria provided, single submitter. Criteria: Invitae Variant Classification Sherloc (09022015). Collection method: clinical testing. Allele origin: germline.
Comment: In summary, the available evidence is currently insufficient to determine the role of this variant in disease. Therefore, it has been classified as a Variant of Uncertain Significance. Algorithms developed to predict the effect of missense changes on protein structure and function are either unavailable or do not agree on the potential impact of this missense change (SIFT: "Deleterious"; PolyPhen-2: "Not Available"; Align-GVGD: "Class C0"). This variant has not been reported in the literature in individuals with NEB-related conditions. This variant is not present in population databases (ExAC no frequency). This sequence change replaces leucine with arginine at codon 2081 of the NEB protein (p.Leu2081Arg). The leucine residue is moderately conserved and there is a moderate physicochemical difference between leucine and arginine.